The following is an entry in ClinVar:

ClinVar aggregate classification (germline): Uncertain significance. Review status: criteria provided, multiple submitters, no conflicts (2 of 4 stars). 2 submissions from 2 submitters: Uncertain significance (2). Last evaluated 2025-01-01.

Allele frequency attached by ClinVar (database versions not stated): gnomAD 0.00002.
gnomAD v4.1: 29 of 1,533,334 alleles (0.0019%); highest among the groups gnomAD compares: Middle Eastern, 0.023%; no homozygotes.

Submissions (2):

CeGaT Center for Human Genetics Tuebingen
Classification: Uncertain significance. Last evaluated: 2025-01-01. Review status: criteria provided, single submitter. Criteria: CeGaT Center For Human Genetics Tuebingen Variant Classification Criteria Version 2. Collection method: clinical testing. Allele origin: germline. Affected: yes. Observed: 1 variant allele.
Comment: MUC5B: PM2:Supporting, BP4

Ambry Genetics
Classification: Uncertain significance. Last evaluated: 2021-08-28. Review status: criteria provided, single submitter. Criteria: Ambry Variant Classification Scheme 2023. Collection method: clinical testing. Allele origin: germline.

NM_002458.3(MUC5B):c.826G>A (p.Ala276Thr)

Gene: MUC5B (mucin 5B, oligomeric mucus/gel-forming; plus strand). Cytogenetic location: 11p15.5.
Variant type: single nucleotide variant.
Coding change: c.826G>A on transcript NM_002458.3 (MANE Select); coding-DNA position 826, G replaced by A.
Protein change: p.Ala276Thr; replaces alanine 276 with threonine.
Molecular consequence: missense variant.
Genome position (GRCh38, 1-based): chr11:1,228,615, G>A. VCF-style: chr11-1228615-G-A. GRCh37 (hg19) VCF-style: chr11-1249845-G-A.
Other names: short protein forms A276T.
Identifiers: ClinVar variation 2224799 (VCV002224799.15), dbSNP rs1206614218, ClinGen allele CA379036929.
Genomic context (GRCh38, chr11:1,228,615, plus strand): 5'-GCTCCCCAGGAGGGCATCTGCCACCGCACCCTGCTGGGGCCGGCCTTTGCGGAGTGCCAC[G>A]CACTGGTGGACAGCACTGCGTACCTGGCCGCCTGCGCCCAGGACCTGTGCCGCTGCCCCA-3'
Protein context (NP_002449.2, residues 266-286): LLGPAFAECH[Ala276Thr]LVDSTAYLAA